The following is an entry in ClinVar:

ClinVar aggregate classification (germline): Uncertain significance (1 of 4 stars; one submission).

Conditions:
Hereditary cancer-predisposing syndrome. Also called: Tumor predisposition; Neoplastic Syndromes, Hereditary; Hereditary Cancer Syndrome; Hereditary neoplastic syndrome. Identifiers: Orphanet 140162, MedGen C0027672, MeSH D009386, MONDO:0015356.

Submission:

Ambry Genetics
Classification: Uncertain significance for Hereditary cancer-predisposing syndrome. Last evaluated: 2024-10-25. Review status: criteria provided, single submitter. Criteria: Ambry Variant Classification Scheme 2023. Collection method: clinical testing. Allele origin: germline.
Comment: The p.S503I variant (also known as c.1508G>T), located in coding exon 6 of the BLM gene, results from a G to T substitution at nucleotide position 1508. The serine at codon 503 is replaced by isoleucine, an amino acid with dissimilar properties. This amino acid position is conserved. In addition, this alteration is predicted to be tolerated by in silico analysis. Based on the available evidence, the clinical significance of this variant remains unclear.

NM_000057.4(BLM):c.1508G>T (p.Ser503Ile)

Gene: BLM (BLM RecQ like helicase; plus strand). Cytogenetic location: 15q26.1.
Variant type: single nucleotide variant.
Coding change: c.1508G>T on transcript NM_000057.4 (MANE Select); coding-DNA position 1508, G replaced by T.
Protein change: p.Ser503Ile; replaces serine 503 with isoleucine.
Molecular consequence: missense variant.
Genome position (GRCh38, 1-based): chr15:90,760,881, G>T. VCF-style: chr15-90760881-G-T. GRCh37 (hg19) VCF-style: chr15-91304111-G-T.
Other names: c.1508G>T, p.Ser503Ile (NM_001287246.2, NM_001287247.2); c.383G>T, p.Ser128Ile (NM_001287248.2); short protein forms S128I, S503I.
Identifiers: ClinVar variation 3480888 (VCV003480888.1).
Genomic context (GRCh38, chr15:90,760,881, plus strand): 5'-GGAAGAATCTTTTTGAAAGGCCTTTATTCAATACCCATTTACAGAAGTCCTTTGTAAGTA[G>T]CAACTGGGCTGAAACACCAAGACTAGGAAAAAAAAATGAAAGCTCTTATTTCCCAGGAAA-3'
Protein context (NP_000048.1, residues 493-513): NTHLQKSFVS[Ser503Ile]NWAETPRLGK